The following is an entry in ClinVar:

ClinVar aggregate classification (germline): Benign/Likely benign. Review status: criteria provided, multiple submitters, no conflicts (2 of 4 stars). 4 submissions from 4 submitters: Benign (2); Likely benign (2). Last evaluated 2026-01-28.

Allele frequency attached by ClinVar (database versions not stated): 1000 Genomes Project 30x 0.00187; 1000 Genomes Project 0.00200; gnomAD 0.00276 and 0.00300; ESP Exome Variant Server 0.00300; TOPMed 0.00306.
gnomAD v4.1: 822 of 1,612,278 alleles (0.051%); highest among the groups gnomAD compares: African/African-American, 0.95%; 3 homozygotes.

Submissions (4):

Labcorp Genetics (formerly Invitae), Labcorp
Classification: Benign. Last evaluated: 2026-01-28. Review status: criteria provided, single submitter. Criteria: Invitae Variant Classification Sherloc (09022015). Collection method: clinical testing. Allele origin: germline.

Blueprint Genetics
Classification: Likely benign. Last evaluated: 2024-07-30. Review status: criteria provided, single submitter. Criteria: ACMG Guidelines, 2015. Collection method: clinical testing. Allele origin: germline.

CeGaT Center for Human Genetics Tuebingen
Classification: Likely benign. Last evaluated: 2023-12-01. Review status: criteria provided, single submitter. Criteria: CeGaT Center For Human Genetics Tuebingen Variant Classification Criteria Version 2. Collection method: clinical testing. Allele origin: germline. Affected: yes. Observed: 1 variant allele.
Comment: IFNAR1: BP4, BP7

Breakthrough Genomics
Classification: Benign. Review status: criteria provided, single submitter. Criteria: ACMG Guidelines, 2015. Collection method: not provided. Allele origin: germline. Inheritance: Autosomal recessive inheritance. Affected: yes.

NM_000629.3(IFNAR1):c.867C>A (p.Thr289=)

Gene: IFNAR1 (interferon alpha and beta receptor subunit 1; plus strand). Cytogenetic location: 21q22.11.
Variant type: single nucleotide variant.
Coding change: c.867C>A on transcript NM_000629.3 (MANE Select); coding-DNA position 867, C replaced by A.
Protein change: p.Thr289=; no amino-acid change (threonine 289 retained).
Molecular consequence: synonymous variant.
Genome position (GRCh38, 1-based): chr21:33,349,169, C>A. VCF-style: chr21-33349169-C-A. GRCh37 (hg19) VCF-style: chr21-34721475-C-A.
Identifiers: ClinVar variation 709130 (VCV000709130.35), dbSNP rs72552386, ClinGen allele CA10006606.
Genomic context (GRCh38, chr21:33,349,169, plus strand): 5'-TCCTGGAAACCATTTGTATAAATGGAAACAAATACCTGACTGTGAAAATGTCAAAACTAC[C>A]CAGTGTGTCTTTCCTCAAAACGTTTTCCAAAAAGGAATTTACCTTCTCCGCGTACAAGCA-3'
Protein context (NP_000620.2, residues 279-299): QIPDCENVKT[Thr289=]QCVFPQNVFQ